The following is an entry in ClinVar:

NM_052874.5(STX1B):c.205+2T>C

Gene: STX1B (syntaxin 1B; minus strand). Cytogenetic location: 16p11.2.
Variant type: single nucleotide variant.
Coding change: c.205+2T>C on transcript NM_052874.5 (MANE Select); the canonical splice donor site of the intron after coding-DNA position 205, T replaced by C.
Molecular consequence: splice donor variant.
Genome position (GRCh38, 1-based): chr16:31,001,092, A>G on the plus strand (T>C on the coding strand, the complement: STX1B is on the minus strand). VCF-style: chr16-31001092-A-G. GRCh37 (hg19) VCF-style: chr16-31012413-A-G.
Identifiers: ClinVar variation 3647811 (VCV003647811.2).
Genomic context (GRCh38, chr16:31,001,092, plus strand): 5'-TCTGGGTGGGAACCCCAGGCCCCTTCTCCTCCCACCCCACAGTCACCGGCAGCCACACTC[A>G]CTCTCATCTGGGTTGGGTGCGGCCAGGATGGCGCTATGCTGTTTTTTCACCTGCTCCACA-3'

ClinVar aggregate classification (germline): Likely pathogenic (1 of 4 stars; one submission).

Conditions:
Generalized epilepsy with febrile seizures plus, type 9 (GEFSP9). Also called: GEFS+, TYPE 9. Identifiers: Orphanet 36387, MedGen C4015395, MONDO:0014517, OMIM 616172.

Submission:

Labcorp Genetics (formerly Invitae), Labcorp
Classification: Likely pathogenic for Generalized epilepsy with febrile seizures plus, type 9. Last evaluated: 2024-03-27. Review status: criteria provided, single submitter. Criteria: Invitae Variant Classification Sherloc (09022015). Collection method: clinical testing. Allele origin: germline.
Comment: This sequence change affects a donor splice site in intron 3 of the STX1B gene. It is expected to disrupt RNA splicing. Variants that disrupt the donor or acceptor splice site typically lead to a loss of protein function (PMID: 16199547), and loss-of-function variants in STX1B are known to be pathogenic (PMID: 25362483). This variant is not present in population databases (gnomAD no frequency). This variant has not been reported in the literature in individuals affected with STX1B-related conditions. Algorithms developed to predict the effect of sequence changes on RNA splicing suggest that this variant may disrupt the consensus splice site. In summary, the currently available evidence indicates that the variant is pathogenic, but additional data are needed to prove that conclusively. Therefore, this variant has been classified as Likely Pathogenic.

Literature cited by the submitters: PubMed 16199547; PubMed 25362483.